The following is an entry in ClinVar:

ClinVar aggregate classification (germline): Uncertain significance (1 of 4 stars; one submission).

Conditions:
Congenital heart defects, multiple types, 7. Identifiers: MedGen C5394062, MONDO:0032913, OMIM 618780.

gnomAD v4.1: 11 of 1,613,844 alleles (0.00068%); highest among the groups gnomAD compares: Admixed American, 0.0017%; no homozygotes.

Submission:

Victorian Clinical Genetics Services, Murdoch Childrens Research Institute
Classification: Uncertain significance for Congenital heart defects, multiple types, 7. Last evaluated: 2022-06-24. Review status: criteria provided, single submitter. Criteria: ACMG Guidelines, 2015. Collection method: clinical testing. Allele origin: germline. Inheritance: Autosomal dominant inheritance.
Comment: Based on the classification scheme VCGS_Germline_v1.3.4, this variant is classified as VUS-3A Following criteria are met: 0102 - Loss of function is a known mechanism of disease in this gene and is associated with multiple types congenital heart defects 7 (MIM#618780) and lymphatic malformation 1 (MIM#153100). (I) 0107 - This gene is associated with autosomal dominant disease. (I) 0112 - The condition associated with this gene has incomplete penetrance (PMID: 23074044, 30232381). (I) 0115 - Variants in this gene are known to have variable expressivity. Variable expressivity has been reported for the lymphatic malformation phenotype (PMID: 23074044). There is also a patient reported with a recurrent frameshift variant who has both tetralogy of Fallot and lymphedema (PMID: 30232381). (I) 0200 - Variant is predicted to result in a missense amino acid change from arginine to leucine. (I) 0251 - This variant is heterozygous. (I) 0302 - Variant is present in gnomAD (v2) <0.001 for a dominant condition (2 heterozygotes, 0 homozygotes). (SP) 0309 - Four alternative amino acid changes at the same position have been observed in gnomAD (v2) (highest allele frequency: 4 heterozygotes, 0 homozygotes). (I) 0501 - Missense variant consistently predicted to be damaging by multiple in silico tools or highly conserved with a major amino acid change. (SP) 0600 - Variant is located in the annotated activation loop of the catalytic domain (NCBI). (I) 0710 - Another missense variant comparable to the one identified in this case has inconclusive previous evidence for pathogenicity. The alternative change to a cysteine has been reported as VUS once in ClinVar. (I) 0807 - This variant has no previous evidence of pathogenicity. (I) 0905 - No published segregation evidence has been identified for this variant. (I) 1007 - No published functional evidence has been identified for this variant. (SP) Legend: (SP) - Supporting pathogenic, (I) - Information, (SB) - Supporting benign

Literature cited by the submitters: PubMed 23074044; PubMed 30232381.

NM_182925.5(FLT4):c.3209G>T (p.Arg1070Leu)

Gene: FLT4 (fms related receptor tyrosine kinase 4; minus strand). Cytogenetic location: 5q35.3.
Variant type: single nucleotide variant.
Coding change: c.3209G>T on transcript NM_182925.5 (MANE Select); coding-DNA position 3209, G replaced by T.
Protein change: p.Arg1070Leu; replaces arginine 1070 with leucine.
Molecular consequence: missense variant.
Genome position (GRCh38, 1-based): chr5:180,616,377, C>A on the plus strand (G>T on the coding strand, the complement: FLT4 is on the minus strand). VCF-style: chr5-180616377-C-A. GRCh37 (hg19) VCF-style: chr5-180043377-C-A.
Other names: c.3209G>T, p.Arg1070Leu (NM_001354989.2, NM_002020.5); short protein forms R1070L.
Identifiers: ClinVar variation 1699278 (VCV001699278.3), dbSNP rs771345898, ClinGen allele CA362500393.
Genomic context (GRCh38, chr5:180,616,377, plus strand): 5'-CCTTCACCTGTTCCGCCCCACGTTCCCTCTCCTCAATGGCCTGCACTCACACTGCCCTTG[C>A]GGACGTAGTCGGGGTCTTTGTAGATGTCCCGGGCAAGGCCAAAGTCACAGATCTTCACCA-3'
Protein context (NP_891555.2, residues 1060-1080): RDIYKDPDYV[Arg1070Leu]KGSARLPLKW